The following is an entry in ClinVar:

NM_017739.4(POMGNT1):c.565G>C (p.Ala189Pro)

Genes: POMGNT1 (protein O-linked mannose N-acetylglucosaminyltransferase 1 (beta 1,2-); minus strand), TSPAN1 (tetraspanin 1; plus strand). Cytogenetic location: 1p34.1.
Variant type: single nucleotide variant.
Coding change: c.565G>C on transcript NM_017739.4 (MANE Select); coding-DNA position 565, G replaced by C.
Protein change: p.Ala189Pro; replaces alanine 189 with proline.
Molecular consequence: missense variant.
Genome position (GRCh38, 1-based): chr1:46,194,931, C>G on the plus strand (G>C on the coding strand, the complement: POMGNT1 is on the minus strand). VCF-style: chr1-46194931-C-G. GRCh37 (hg19) VCF-style: chr1-46660603-C-G.
Other names: p.Ala189Pro; c.565G>C, p.Ala189Pro (NM_001243766.2, NM_001410783.1); c.499G>C, p.Ala167Pro (NM_001290129.3); c.136G>C, p.Ala46Pro (NM_001290130.2); c.565G>C (NM_017739.3); short protein forms A167P, A189P, A46P.
Identifiers: ClinVar variation 1002680 (VCV001002680.6), dbSNP rs949714416, ClinGen allele CA833683.

ClinVar aggregate classification (germline): Uncertain significance. Review status: criteria provided, multiple submitters, no conflicts (2 of 4 stars). 3 submissions from 3 submitters: Uncertain significance (2). 1 of the submissions does not count toward it. Last evaluated 2024-08-06.

Conditions:
Autosomal recessive limb-girdle muscular dystrophy type 2O. Also called: Limb-Girdle Muscular Dystrophy Type 3C; MUSCULAR DYSTROPHY-DYSTROGLYCANOPATHY (LIMB-GIRDLE), TYPE C, 3; MUSCULAR DYSTROPHY-DYSTROGLYCANOPATHY, LIMB-GIRDLE, POMGNT1-RELATED. Identifiers: Orphanet 206564, MedGen C3150417, MONDO:0013161, OMIM 613157.
Muscular dystrophy-dystroglycanopathy (congenital with impaired intellectual development), type B, 3. Also called: MUSCULAR DYSTROPHY, CONGENITAL, POMGNT1-RELATED; Muscular dystrophy-dystroglycanopathy (congenital with intellectual disability), type B3. Identifiers: MedGen C3150412, MONDO:0013155, OMIM 613151.
Muscle eye brain disease (MEB). Also called: Santavuori congenital muscular dystrophy. Identifiers: Orphanet 588, Orphanet 899, MedGen C0457133, MONDO:0018939.

Allele frequency attached by ClinVar (database versions not stated): TOPMed 0.00002.
gnomAD v4.1: 4 of 1,614,048 alleles (0.00025%); highest among the groups gnomAD compares: African/African-American, 0.0053%; no homozygotes.

Submissions (3):

Labcorp Genetics (formerly Invitae), Labcorp
Classification: Uncertain significance for Autosomal recessive limb-girdle muscular dystrophy type 2O; Muscular dystrophy-dystroglycanopathy (congenital with impaired intellectual development), type B, 3. Last evaluated: 2024-08-06. Review status: criteria provided, single submitter. Criteria: Invitae Variant Classification Sherloc (09022015). Collection method: clinical testing. Allele origin: germline.
Comment: This sequence change replaces alanine, which is neutral and non-polar, with proline, which is neutral and non-polar, at codon 189 of the POMGNT1 protein (p.Ala189Pro). This variant is present in population databases (no rsID available, gnomAD 0.007%). This variant has not been reported in the literature in individuals affected with POMGNT1-related conditions. ClinVar contains an entry for this variant (Variation ID: 1002680). Advanced modeling of protein sequence and biophysical properties (such as structural, functional, and spatial information, amino acid conservation, physicochemical variation, residue mobility, and thermodynamic stability) has been performed at Invitae for this missense variant, however the output from this modeling did not meet the statistical confidence thresholds required to predict the impact of this variant on POMGNT1 protein function. In summary, the available evidence is currently insufficient to determine the role of this variant in disease. Therefore, it has been classified as a Variant of Uncertain Significance.

Mayo Clinic Laboratories, Mayo Clinic
Classification: Uncertain significance. Last evaluated: 2022-03-22. Review status: criteria provided, single submitter. Criteria: ACMG Guidelines, 2015. Collection method: clinical testing. Allele origin: germline. Observed: 1 variant allele.
Comment: PP3, PM2

Natera, Inc.
Classification: Uncertain significance for Muscle-eye-brain disease. Last evaluated: 2020-02-13. Review status: no assertion criteria provided. Collection method: clinical testing. Allele origin: germline. Not counted in ClinVar's aggregate classification.